The following is an entry in ClinVar:

ClinVar aggregate classification (germline): Uncertain significance (1 of 4 stars; one submission).

Conditions:
Mitochondrial hypertrophic cardiomyopathy with lactic acidosis due to MTO1 deficiency. Also called: CARDIOMYOPATHY, INFANTILE HYPERTROPHIC MITOCHONDRIAL, AND LACTIC ACIDOSIS; Combined oxidative phosphorylation deficiency 10. Identifiers: Orphanet 314637, MedGen C4749921, MONDO:0013865, OMIM 614702.

Allele frequency attached by ClinVar (database versions not stated): gnomAD exomes below 0.00001.
gnomAD v4.1: 1 of 1,612,478 alleles (0.000062%); highest among the groups gnomAD compares: South Asian, 0.0011%; no homozygotes.

Submission:

Labcorp Genetics (formerly Invitae), Labcorp
Classification: Uncertain significance for Mitochondrial hypertrophic cardiomyopathy with lactic acidosis due to MTO1 deficiency. Last evaluated: 2021-09-18. Review status: criteria provided, single submitter. Criteria: Invitae Variant Classification Sherloc (09022015). Collection method: clinical testing. Allele origin: germline.
Comment: In summary, the available evidence is currently insufficient to determine the role of this variant in disease. Therefore, it has been classified as a Variant of Uncertain Significance. Algorithms developed to predict the effect of missense changes on protein structure and function output the following: SIFT: "Tolerated"; PolyPhen-2: "Benign"; Align-GVGD: "Class C0". The isoleucine amino acid residue is found in multiple mammalian species, which suggests that this missense change does not adversely affect protein function. This variant has not been reported in the literature in individuals affected with MTO1-related conditions. This variant is not present in population databases (ExAC no frequency). This sequence change replaces valine with isoleucine at codon 305 of the MTO1 protein (p.Val305Ile). The valine residue is moderately conserved and there is a small physicochemical difference between valine and isoleucine.

NM_012123.4(MTO1):c.913G>A (p.Val305Ile)

Gene: MTO1 (mitochondrial tRNA translation optimization 1; plus strand). Cytogenetic location: 6q13.
Variant type: single nucleotide variant.
Coding change: c.913G>A on transcript NM_012123.4 (MANE Select); coding-DNA position 913, G replaced by A.
Protein change: p.Val305Ile; replaces valine 305 with isoleucine.
Molecular consequence: missense variant.
Genome position (GRCh38, 1-based): chr6:73,479,819, G>A. VCF-style: chr6-73479819-G-A. GRCh37 (hg19) VCF-style: chr6-74189542-G-A.
Other names: c.913G>A, p.Val305Ile (NM_001123226.2, NM_133645.3); short protein forms V305I.
Identifiers: ClinVar variation 1520411 (VCV001520411.6), dbSNP rs1457365776, ClinGen allele CA364714499.
Genomic context (GRCh38, chr6:73,479,819, plus strand): 5'-ACTCACACCAACCCTAGAGTGGATGAGATTGTCCTTAAGAACCTTCACCTTAATAGTCAT[G>A]TTAAAGAAACGACAAGAGGACCTCGGTAAGGACAAAATGTCAGTGCTCAGTTACTTTAAG-3'
Protein context (NP_036255.2, residues 295-315): VLKNLHLNSH[Val305Ile]KETTRGPRYC